The following is an entry in ClinVar:

NM_152383.5(DIS3L2):c.619G>A (p.Ala207Thr)

Gene: DIS3L2 (DIS3 like 3'-5' exoribonuclease 2; plus strand). Cytogenetic location: 2q37.1.
Variant type: single nucleotide variant.
Coding change: c.619G>A on transcript NM_152383.5 (MANE Select); coding-DNA position 619, G replaced by A.
Protein change: p.Ala207Thr; replaces alanine 207 with threonine.
Molecular consequence: missense variant. On other transcripts: non-coding transcript variant (2).
Genome position (GRCh38, 1-based): chr2:232,130,636, G>A. VCF-style: chr2-232130636-G-A. GRCh37 (hg19) VCF-style: chr2-232995346-G-A.
Other names: c.619G>A, p.Ala207Thr (NM_001257281.2, NM_001257282.2); short protein forms A207T.
Identifiers: ClinVar variation 951153 (VCV000951153.9), dbSNP rs1006843527, ClinGen allele CA67511470.

ClinVar aggregate classification (germline): Uncertain significance (1 of 4 stars; one submission).

Conditions:
Perlman syndrome (PRLMNS). Identifiers: Orphanet 2849, MedGen C0796113, MONDO:0009965, OMIM 267000.

Allele frequency attached by ClinVar (database versions not stated): gnomAD exomes 0.00001; TOPMed 0.00001; gnomAD 0.00002.
gnomAD v4.1: 6 of 1,612,154 alleles (0.00037%); highest among the groups gnomAD compares: African/African-American, 0.0053%; no homozygotes.

Submission:

Labcorp Genetics (formerly Invitae), Labcorp
Classification: Uncertain significance for Perlman syndrome. Last evaluated: 2025-07-21. Review status: criteria provided, single submitter. Criteria: Invitae Variant Classification Sherloc (09022015). Collection method: clinical testing. Allele origin: germline.
Comment: This sequence change replaces alanine, which is neutral and non-polar, with threonine, which is neutral and polar, at codon 207 of the DIS3L2 protein (p.Ala207Thr). This variant is not present in population databases (gnomAD no frequency). This variant has not been reported in the literature in individuals affected with DIS3L2-related conditions. ClinVar contains an entry for this variant (Variation ID: 951153). An algorithm developed to predict the effect of missense changes on protein structure and function outputs the following: PolyPhen-2: "Benign". The threonine amino acid residue is found in multiple mammalian species, which suggests that this missense change does not adversely affect protein function. In summary, the available evidence is currently insufficient to determine the role of this variant in disease. Therefore, it has been classified as a Variant of Uncertain Significance.